The following is an entry in ClinVar:

NM_018109.4(MTPAP):c.136C>A (p.Pro46Thr)

Gene: MTPAP (mitochondrial poly(A) polymerase; minus strand). Cytogenetic location: 10p11.23.
Variant type: single nucleotide variant.
Coding change: c.136C>A on transcript NM_018109.4 (MANE Select); coding-DNA position 136, C replaced by A.
Protein change: p.Pro46Thr; replaces proline 46 with threonine.
Molecular consequence: missense variant.
Genome position (GRCh38, 1-based): chr10:30,349,140, G>T on the plus strand (C>A on the coding strand, the complement: MTPAP is on the minus strand). VCF-style: chr10-30349140-G-T. GRCh37 (hg19) VCF-style: chr10-30638069-G-T.
Other names: c.136C>A (NM_018109.3); short protein forms P46T.
Identifiers: ClinVar variation 2190359 (VCV002190359.5), dbSNP rs775432161, ClinGen allele CA5459285.
Genomic context (GRCh38, chr10:30,349,140, plus strand): 5'-GCTGTGGGACGGAACTACAGGGCAAACCGGCGCCATCACCTGTCTCCACGCTCCCTGAAG[G>T]CTGCTCGTCTCTCCTAAGGTCTTTGGCCACAGTTCCTGGGCAACTCAAAAGCCTGACGAT-3'
Protein context (NP_060579.3, residues 36-56): VAKDLRRDEQ[Pro46Thr]SGSVETGFED

ClinVar aggregate classification (germline): Uncertain significance. Review status: criteria provided, multiple submitters, no conflicts (2 of 4 stars). 2 submissions from 2 submitters: Uncertain significance (2). Last evaluated 2024-01-04.

Conditions:
Inborn genetic diseases. Identifiers: MedGen C0950123, MeSH D030342.

Allele frequency attached by ClinVar (database versions not stated): ExAC 0.00001.
gnomAD v4.1: 2 of 1,613,798 alleles (0.00012%); highest among the groups gnomAD compares: South Asian, 0.0022%; no homozygotes.

Submissions (2):

Ambry Genetics
Classification: Uncertain significance for Inborn genetic diseases. Last evaluated: 2024-01-04. Review status: criteria provided, single submitter. Criteria: Ambry Variant Classification Scheme 2023. Collection method: clinical testing. Allele origin: germline.

Labcorp Genetics (formerly Invitae), Labcorp
Classification: Uncertain significance. Last evaluated: 2022-10-05. Review status: criteria provided, single submitter. Criteria: Invitae Variant Classification Sherloc (09022015). Collection method: clinical testing. Allele origin: germline.
Comment: Algorithms developed to predict the effect of missense changes on protein structure and function output the following: SIFT: "Tolerated"; PolyPhen-2: "Benign"; Align-GVGD: "Class C0". The threonine amino acid residue is found in multiple mammalian species, which suggests that this missense change does not adversely affect protein function. In summary, the available evidence is currently insufficient to determine the role of this variant in disease. Therefore, it has been classified as a Variant of Uncertain Significance. This variant has not been reported in the literature in individuals affected with MTPAP-related conditions. This variant is present in population databases (rs775432161, gnomAD 0.006%). This sequence change replaces proline, which is neutral and non-polar, with threonine, which is neutral and polar, at codon 46 of the MTPAP protein (p.Pro46Thr).